The following is an entry in ClinVar:

ClinVar aggregate classification (germline): Uncertain significance (1 of 4 stars; one submission).

Submission:

Women's Health and Genetics/Laboratory Corporation of America, LabCorp
Classification: Uncertain significance. Last evaluated: 2026-02-16. Review status: criteria provided, single submitter. Criteria: LabCorp Variant Classification Summary - May 2015. Collection method: clinical testing. Allele origin: germline.
Comment: Variant summary: SYNE1 c.18907A>G (p.Arg6303Gly) results in a non-conservative amino acid change in the encoded protein sequence. Algorithms developed to predict the effect of missense changes on protein structure and function are either unavailable or do not agree on the potential impact of this missense change. The variant was absent in 251448 control chromosomes. The available data on variant occurrences in the general population are insufficient to allow any conclusion about variant significance. To our knowledge, no occurrence of c.18907A>G in individuals affected with SYNE1-related conditions and no experimental evidence demonstrating its impact on protein function have been reported. No submitters have cited clinical-significance assessments for this variant to ClinVar. Based on the evidence outlined above, the variant was classified as uncertain significance.

NM_182961.4(SYNE1):c.19120A>G (p.Arg6374Gly)

Gene: SYNE1 (spectrin repeat containing nuclear envelope protein 1; minus strand). Cytogenetic location: 6q25.2.
Variant type: single nucleotide variant.
Coding change: c.19120A>G on transcript NM_182961.4 (MANE Select); coding-DNA position 19120, A replaced by G.
Protein change: p.Arg6374Gly; replaces arginine 6374 with glycine.
Molecular consequence: missense variant.
Genome position (GRCh38, 1-based): chr6:152,255,731, T>C on the plus strand (A>G on the coding strand, the complement: SYNE1 is on the minus strand). VCF-style: chr6-152255731-T-C. GRCh37 (hg19) VCF-style: chr6-152576866-T-C.
Other names: c.18907A>G, p.Arg6303Gly (NM_033071.5); short protein forms R6303G, R6374G.
Identifiers: ClinVar variation 4847792 (VCV004847792.1).